The following is an entry in ClinVar:

NM_004006.3(DMD):c.1274A>G (p.Asn425Ser)

Gene: DMD (dystrophin; minus strand). Cytogenetic location: Xp21.1.
Variant type: single nucleotide variant.
Coding change: c.1274A>G on transcript NM_004006.3 (MANE Select); coding-DNA position 1274, A replaced by G.
Protein change: p.Asn425Ser; replaces asparagine 425 with serine.
Molecular consequence: missense variant.
Genome position (GRCh38, 1-based): chrX:32,644,189, T>C on the plus strand (A>G on the coding strand, the complement: DMD is on the minus strand). VCF-style: chrX-32644189-T-C. GRCh37 (hg19) VCF-style: chrX-32662306-T-C.
Other names: c.1250A>G, p.Asn417Ser (NM_000109.4); c.1262A>G, p.Asn421Ser (NM_004009.3); c.905A>G, p.Asn302Ser (NM_004010.3); short protein forms N302S, N417S, N421S, N425S.
Identifiers: ClinVar variation 1024863 (VCV001024863.7), dbSNP rs1449136689, ClinGen allele CA412660986.

ClinVar aggregate classification (germline): Uncertain significance. Review status: criteria provided, single submitter (1 of 4 stars). 2 submissions from 2 submitters: Uncertain significance (1). 1 of the submissions does not count toward it. Last evaluated 2022-02-03.

Conditions:
Cardiomyopathy (CMYO). Also called: Cardiomyopathies. Identifiers: Orphanet 167848, MedGen C0878544, MONDO:0004994, HP:0001638. Inheritance: Various modes of inheritance.
Dystrophin deficiency.
Duchenne muscular dystrophy (DMD). Also called: MUSCULAR DYSTROPHY, PSEUDOHYPERTROPHIC PROGRESSIVE, DUCHENNE TYPE; Duchenne Muscular Dystrophy (DMD). Identifiers: Orphanet 98896, MedGen C0013264, MONDO:0010679, OMIM 310200.
Becker muscular dystrophy (BMD). Also called: Becker Muscular Dystrophy (BMD); MUSCULAR DYSTROPHY, PSEUDOHYPERTROPHIC PROGRESSIVE, BECKER TYPE. Identifiers: Orphanet 98895, MedGen C0917713, MONDO:0010311, OMIM 300376.

Allele frequency attached by ClinVar (database versions not stated): TOPMed 0.00001.

Submissions (2):

Labcorp Genetics (formerly Invitae), Labcorp
Classification: Uncertain significance for Duchenne muscular dystrophy. Last evaluated: 2022-02-03. Review status: criteria provided, single submitter. Criteria: Invitae Variant Classification Sherloc (09022015). Collection method: clinical testing. Allele origin: germline.
Comment: This sequence change replaces asparagine, which is neutral and polar, with serine, which is neutral and polar, at codon 425 of the DMD protein (p.Asn425Ser). This variant is not present in population databases (gnomAD no frequency). This variant has not been reported in the literature in individuals affected with DMD-related conditions. ClinVar contains an entry for this variant (Variation ID: 1024863). Algorithms developed to predict the effect of missense changes on protein structure and function (SIFT, PolyPhen-2, Align-GVGD) all suggest that this variant is likely to be tolerated. In summary, the available evidence is currently insufficient to determine the role of this variant in disease. Therefore, it has been classified as a Variant of Uncertain Significance.

Natera, Inc.
Classification: Uncertain significance for Becker muscular dystrophy; Cardiomyopathy; Duchenne muscular dystrophy; Dystrophin deficiency. Last evaluated: 2019-02-25. Review status: no assertion criteria provided. Collection method: clinical testing. Allele origin: germline. Not counted in ClinVar's aggregate classification.